The following is an entry in ClinVar:

ClinVar aggregate classification (germline): Likely benign. Review status: criteria provided, multiple submitters, no conflicts (2 of 4 stars). 3 submissions from 3 submitters: Likely benign (3). Last evaluated 2024-08-13.

Conditions:
RYR1-related disorder. Also called: RYR1-related condition; RYR1-related disorders. Identifiers: MedGen CN239331.
Malignant hyperthermia, susceptibility to, 1 (MHS1). Also called: Anesthesia related hyperthermia; Malignant hyperpyrexia; Fulminating hyperpyrexia; Pharmacogenic myopathy; RYR1-Related Malignant Hyperthermia Susceptibility; Malignant hyperthermia suceptibility 1. Identifiers: Orphanet 423, MedGen C2930980, MONDO:0007783, OMIM 145600.

Allele frequency attached by ClinVar (database versions not stated): gnomAD exomes below 0.00001.
gnomAD v4.1: 1 of 1,613,842 alleles (0.000062%); highest among the groups gnomAD compares: Non-Finnish European, 0.000085%; no homozygotes.

Submissions (3):

All of Us Research Program, National Institutes of Health
Classification: Likely benign for Malignant hyperthermia, susceptibility to, 1. Last evaluated: 2024-08-13. Review status: criteria provided, single submitter. Criteria: ACMG Guidelines, 2015. Collection method: clinical testing. Allele origin: germline. Inheritance: Autosomal dominant inheritance. Observed: 1 variant allele, 1 heterozygote.
Comment: This study involves interpretation of variants in research participants for the purpose of population health screening. Participant phenotype was not available at the time of variant classification. Additional details can be found in publication PMID: 35346344, PMCID: PMC8962531

Color Diagnostics, LLC DBA Color Health
Classification: Likely benign for Malignant hyperthermia, susceptibility to, 1. Last evaluated: 2024-07-30. Review status: criteria provided, single submitter. Criteria: ACMG Guidelines, 2015. Collection method: clinical testing. Allele origin: germline.

Labcorp Genetics (formerly Invitae), Labcorp
Classification: Likely benign for RYR1-related disorder. Last evaluated: 2023-10-28. Review status: criteria provided, single submitter. Criteria: Invitae Variant Classification Sherloc (09022015). Collection method: clinical testing. Allele origin: germline.

NM_000540.3(RYR1):c.1698C>T (p.Val566=)

Gene: RYR1 (ryanodine receptor 1; plus strand). Cytogenetic location: 19q13.2.
Variant type: single nucleotide variant.
Coding change: c.1698C>T on transcript NM_000540.3 (MANE Select); coding-DNA position 1698, C replaced by T.
Protein change: p.Val566=; no amino-acid change (valine 566 retained).
Molecular consequence: synonymous variant.
Genome position (GRCh38, 1-based): chr19:38,455,658, C>T. VCF-style: chr19-38455658-C-T. GRCh37 (hg19) VCF-style: chr19-38946298-C-T.
Other names: c.1698C>T, p.Val566= (NM_001042723.2).
Identifiers: ClinVar variation 2884941 (VCV002884941.5), dbSNP rs2514027911, ClinGen allele CA507242994.